The following is an entry in ClinVar:

ClinVar aggregate classification (germline): Uncertain significance (1 of 4 stars; one submission).

Submission:

Women's Health and Genetics/Laboratory Corporation of America, LabCorp
Classification: Uncertain significance. Last evaluated: 2021-04-28. Review status: criteria provided, single submitter. Criteria: LabCorp Variant Classification Summary - May 2015. Collection method: clinical testing. Allele origin: germline.
Comment: Variant summary: WAS c.229G>A (p.Asp77Asn) results in a conservative amino acid change located in the WH1/EVH1 domain (IPR000697) of the encoded protein sequence. Four of five in-silico tools predict a damaging effect of the variant on protein function. The variant was absent in 182289 control chromosomes (gnomAD). The available data on variant occurrences in the general population are insufficient to allow any conclusion about variant significance. c.229G>A has been reported in the literature in individuals with suspected Wiskott-Aldrich Syndrome (Chiang_2018). This report however, does not provide unequivocal conclusions about association of the variant with Wiskott-Aldrich Syndrome. To our knowledge, no experimental evidence demonstrating an impact on protein function has been reported. No clinical diagnostic laboratories have submitted clinical-significance assessments for this variant to ClinVar after 2014. Based on the evidence outlined above, the variant was classified as uncertain significance.

Literature cited by the submitters: PubMed 29729304.

NM_000377.3(WAS):c.229G>A (p.Asp77Asn)

Gene: WAS (WASP actin nucleation promoting factor; plus strand). Cytogenetic location: Xp11.23.
Variant type: single nucleotide variant.
Coding change: c.229G>A on transcript NM_000377.3 (MANE Select); coding-DNA position 229, G replaced by A.
Protein change: p.Asp77Asn; replaces aspartic acid 77 with asparagine.
Molecular consequence: missense variant.
Genome position (GRCh38, 1-based): chrX:48,684,379, G>A. VCF-style: chrX-48684379-G-A. GRCh37 (hg19) VCF-style: chrX-48542768-G-A.
Other names: short protein forms D77N.
Identifiers: ClinVar variation 1098784 (VCV001098784.1), dbSNP rs2147262921, ClinGen allele CA412866556.